The following is an entry in ClinVar:

ClinVar aggregate classification (germline): Benign. Review status: criteria provided, multiple submitters, no conflicts (2 of 4 stars). 7 submissions from 7 submitters: Benign (7). Last evaluated 2026-02-01.

Conditions:
Renal tubular dysgenesis. Also called: Renotubular dysgenesis. Identifiers: Orphanet 3033, MedGen C0266313, MONDO:0017609, HP:0008660.

Allele frequency attached by ClinVar (database versions not stated): gnomAD exomes 0.07433 and 0.08062; ExAC 0.08678; 1000 Genomes Project 0.14437; gnomAD 0.14681 and 0.15457; 1000 Genomes Project 30x 0.14881; TOPMed 0.15614; ESP Exome Variant Server 0.16331.
gnomAD v4.1: 131,764 of 1,613,132 alleles (8.2%); highest among the groups gnomAD compares: African/African-American, 36%; 8,777 homozygotes.

Submissions (7):

Labcorp Genetics (formerly Invitae), Labcorp
Classification: Benign. Last evaluated: 2026-02-01. Review status: criteria provided, single submitter. Criteria: Invitae Variant Classification Sherloc (09022015). Collection method: clinical testing. Allele origin: germline.

Blueprint Genetics
Classification: Benign. Last evaluated: 2024-11-27. Review status: criteria provided, single submitter. Criteria: ACMG Guidelines, 2015. Collection method: clinical testing. Allele origin: germline.

Mayo Clinic Laboratories, Mayo Clinic
Classification: Benign. Last evaluated: 2022-03-09. Review status: criteria provided, single submitter. Criteria: ACMG Guidelines, 2015. Collection method: clinical testing. Allele origin: germline. Observed: 16 variant alleles.

GeneDx
Classification: Benign. Last evaluated: 2021-06-09. Review status: criteria provided, single submitter. Criteria: GeneDx Variant Classification Process June 2021. Collection method: clinical testing. Allele origin: germline. Affected: yes.

Illumina Laboratory Services, Illumina
Classification: Benign for Renal tubular dysgenesis of genetic origin. Last evaluated: 2018-01-12. Review status: criteria provided, single submitter. Criteria: ICSL Variant Classification Criteria 13 December 2019. Collection method: clinical testing. Allele origin: germline.
Comment: This variant was observed in the ICSL laboratory as part of a predisposition screen in an ostensibly healthy population. It had not been previously curated by ICSL or reported in the Human Gene Mutation Database (HGMD: prior to June 1st, 2018), and was therefore a candidate for classification through an automated scoring system. Utilizing variant allele frequency, disease prevalence and penetrance estimates, and inheritance mode, an automated score was calculated to assess if this variant is too frequent to cause the disease. Based on the score and internal cut-off values, a variant classified as benign is not then subjected to further curation. The score for this variant resulted in a classification of benign for this disease.

Breakthrough Genomics
Classification: Benign. Review status: criteria provided, single submitter. Criteria: ACMG Guidelines, 2015. Collection method: not provided. Allele origin: germline. Inheritance: Autosomal recessive inheritance. Affected: yes.

PreventionGenetics, part of Exact Sciences
Classification: Benign. Review status: criteria provided, single submitter. Criteria: ACMG Guidelines, 2015. Collection method: clinical testing. Allele origin: germline.

NM_000789.4(ACE):c.582C>T (p.Asn194=)

Gene: ACE (angiotensin I converting enzyme; plus strand). Cytogenetic location: 17q23.3.
Variant type: single nucleotide variant.
Coding change: c.582C>T on transcript NM_000789.4 (MANE Select); coding-DNA position 582, C replaced by T.
Protein change: p.Asn194=; no amino-acid change (asparagine 194 retained).
Molecular consequence: synonymous variant.
Genome position (GRCh38, 1-based): chr17:63,479,839, C>T. VCF-style: chr17-63479839-C-T. GRCh37 (hg19) VCF-style: chr17-61557200-C-T.
Other names: p.Asn194=.
Identifiers: ClinVar variation 256809 (VCV000256809.18), dbSNP rs4298, ClinGen allele CA8699140.